The following is an entry in ClinVar:

ClinVar aggregate classification (germline): Uncertain significance (0 of 4 stars; one submission).

Conditions:
KIDINS220-related disorder. Also called: KIDINS220-related condition.

gnomAD v4.1: 4 of 1,613,376 alleles (0.00025%); highest among the groups gnomAD compares: East Asian, 0.0022%; no homozygotes.

Submission:

PreventionGenetics, part of Exact Sciences
Classification: Uncertain significance for KIDINS220-related condition. Last evaluated: 2024-06-28. Review status: no assertion criteria provided. Collection method: clinical testing. Allele origin: germline.
Comment: The KIDINS220 c.2393G>A variant is predicted to result in the amino acid substitution p.Gly798Asp. To our knowledge, this variant has not been reported in the literature. This variant is reported in 0.0056% of alleles in individuals of East Asian descent in gnomAD. At this time, the clinical significance of this variant is uncertain due to the absence of conclusive functional and genetic evidence.

NM_020738.4(KIDINS220):c.2393G>A (p.Gly798Asp)

Gene: KIDINS220 (kinase D interacting substrate 220; minus strand). Cytogenetic location: 2p25.1.
Variant type: single nucleotide variant.
Coding change: c.2393G>A on transcript NM_020738.4 (MANE Select); coding-DNA position 2393, G replaced by A.
Protein change: p.Gly798Asp; replaces glycine 798 with aspartic acid.
Molecular consequence: missense variant. On other transcripts: non-coding transcript variant (2).
Genome position (GRCh38, 1-based): chr2:8,779,117, C>T on the plus strand (G>A on the coding strand, the complement: KIDINS220 is on the minus strand). VCF-style: chr2-8779117-C-T. GRCh37 (hg19) VCF-style: chr2-8919247-C-T.
Other names: c.2396G>A, p.Gly799Asp (NM_001348729.2, NM_001348731.2, NM_001348734.2 and 3 more transcripts); c.2393G>A, p.Gly798Asp (NM_001348732.2, NM_001348735.2, NM_001348738.2 and 3 more transcripts); c.2267G>A, p.Gly756Asp (NM_001348736.2); short protein forms G756D, G798D, G799D.
Identifiers: ClinVar variation 3357608 (VCV003357608.1).
Genomic context (GRCh38, chr2:8,779,117, plus strand): 5'-TTCTGGTTAATTGCCTTTATGATAATATGTGGATCACTTGCAAAAATGGCAATGAACGGG[C>T]CTTTTGAAAACAGAACTCGGACCTGTGGCAGAAGAAATGTACAGTTGTGACATACATTTT-3'
Protein context (NP_065789.1, residues 788-808): LDTVRVLFSK[Gly798Asp]PFIAIFASDP